The following is an entry in ClinVar:

NM_006420.3(ARFGEF2):c.1190+6C>T

Gene: ARFGEF2 (ARF guanine nucleotide exchange factor 2; plus strand). Cytogenetic location: 20q13.13.
Variant type: single nucleotide variant.
Coding change: c.1190+6C>T on transcript NM_006420.3 (MANE Select); 6 bases into the intron after coding-DNA position 1190, C replaced by T.
Molecular consequence: intron variant.
Genome position (GRCh38, 1-based): chr20:48,969,283, C>T. VCF-style: chr20-48969283-C-T. GRCh37 (hg19) VCF-style: chr20-47585820-C-T.
Identifiers: ClinVar variation 1188238 (VCV001188238.7), dbSNP rs370106283, ClinGen allele CA9898342.

ClinVar aggregate classification (germline): Conflicting classifications of pathogenicity. Review status: criteria provided, conflicting classifications (1 of 4 stars). 2 submissions from 2 submitters: Uncertain significance (1); Likely benign (1). Last evaluated 2025-01-20.

Allele frequency attached by ClinVar (database versions not stated): TOPMed 0.00002; gnomAD exomes 0.00003 and 0.00005; gnomAD 0.00006 and 0.00007; ExAC 0.00008; ESP Exome Variant Server 0.00008.
gnomAD v4.1: 57 of 1,614,038 alleles (0.0035%); highest among the groups gnomAD compares: Non-Finnish European, 0.0044%; no homozygotes.

Submissions (2):

Labcorp Genetics (formerly Invitae), Labcorp
Classification: Uncertain significance. Last evaluated: 2025-01-20. Review status: criteria provided, single submitter. Criteria: Invitae Variant Classification Sherloc (09022015). Collection method: clinical testing. Allele origin: germline.
Comment: This sequence change falls in intron 9 of the ARFGEF2 gene. It does not directly change the encoded amino acid sequence of the ARFGEF2 protein. It affects a nucleotide within the consensus splice site. This variant is present in population databases (rs370106283, gnomAD 0.02%). This variant has not been reported in the literature in individuals affected with ARFGEF2-related conditions. ClinVar contains an entry for this variant (Variation ID: 1188238). Variants that disrupt the consensus splice site are a relatively common cause of aberrant splicing (PMID: 17576681, 9536098). Algorithms developed to predict the effect of sequence changes on RNA splicing suggest that this variant is not likely to affect RNA splicing. In summary, the available evidence is currently insufficient to determine the role of this variant in disease. Therefore, it has been classified as a Variant of Uncertain Significance.

GeneDx
Classification: Likely benign. Last evaluated: 2019-04-04. Review status: criteria provided, single submitter. Criteria: GeneDx Variant Classification Process June 2021. Collection method: clinical testing. Allele origin: germline. Affected: yes.

Literature cited by the submitters: PubMed 17576681 (cited by Labcorp Genetics (formerly Invitae), Labcorp); PubMed 9536098 (cited by Labcorp Genetics (formerly Invitae), Labcorp).